The following is an entry in ClinVar:

ClinVar aggregate classification (germline): Uncertain significance (1 of 4 stars; one submission).

Submission:

Labcorp Genetics (formerly Invitae), Labcorp
Classification: Uncertain significance. Last evaluated: 2024-09-28. Review status: criteria provided, single submitter. Criteria: Invitae Variant Classification Sherloc (09022015). Collection method: clinical testing. Allele origin: germline.
Comment: This variant, c.255_263del, results in the deletion of 3 amino acid(s) of the ARIH1 protein (p.Gly88_Gly90del), but otherwise preserves the integrity of the reading frame. The frequency data for this variant in the population databases is considered unreliable, as metrics indicate poor data quality at this position in the gnomAD database. This variant has not been reported in the literature in individuals affected with ARIH1-related conditions. ClinVar contains an entry for this variant (Variation ID: 1960724). Experimental studies and prediction algorithms are not available or were not evaluated, and the functional significance of this variant is currently unknown. In summary, the available evidence is currently insufficient to determine the role of this variant in disease. Therefore, it has been classified as a Variant of Uncertain Significance.

NM_005744.5(ARIH1):c.255_263del (p.Gly88_Gly90del)

Gene: ARIH1 (ariadne RBR E3 ubiquitin protein ligase 1; plus strand). Cytogenetic location: 15q24.1.
Variant type: Deletion.
Coding change: c.255_263del on transcript NM_005744.5 (MANE Select); coding-DNA positions 255 to 263, 9 bases deleted (CGGTGGTGG; older notation c.255_263delCGGTGGTGG).
Protein change: p.Gly88_Gly90del.
Molecular consequence: inframe deletion.
Genome position (GRCh38, 1-based): chr15:72,474,894-72,474,902, CGGTGGTGG deleted; deleting any 9 consecutive bases within chr15:72,474,892-72,474,902 gives the same sequence; the c. name uses the placement nearest the transcript's 3' end. VCF-style (leftmost placement, unchanged base first): chr15-72474891-CGGCGGTGGT-C. GRCh37 (hg19) VCF-style: chr15-72767232-CGGCGGTGGT-C.
Identifiers: ClinVar variation 1960724 (VCV001960724.5), dbSNP rs1555483014, ClinGen allele CA618963041.
Genomic context (GRCh38, chr15:72,474,891, plus strand): 5'-GGAGACGGGCGGTGGCGGCGGCAGCGCTCTGGGGCCCGGCGGTGGCGGCGGCGGCGGCGG[CGGCGGTGGT>C]GGTGGCGGGCCGGGGCATGAGCAGGAGGAGGATTACCGCTACGAGGTGCTCACGGCCGAG-3'